The following is an entry in ClinVar:

ClinVar aggregate classification (germline): Uncertain significance (1 of 4 stars; one submission).

Conditions:
Cardiovascular phenotype. Identifiers: MedGen CN230736.

Submission:

Ambry Genetics
Classification: Uncertain significance for Cardiovascular phenotype. Last evaluated: 2023-12-12. Review status: criteria provided, single submitter. Criteria: Ambry Variant Classification Scheme 2023. Collection method: clinical testing. Allele origin: germline.
Comment: The p.T313N variant (also known as c.938C>A), located in coding exon 7 of the LDB3 gene, results from a C to A substitution at nucleotide position 938. The threonine at codon 313 is replaced by asparagine, an amino acid with similar properties. This amino acid position is conserved. In addition, this alteration is predicted to be tolerated by in silico analysis. Since supporting evidence is limited at this time, the clinical significance of this alteration remains unclear.

NM_007078.3(LDB3):c.938C>A (p.Thr313Asn)

Gene: LDB3 (LIM domain binding 3; plus strand). Cytogenetic location: 10q23.2.
Variant type: single nucleotide variant.
Coding change: c.938C>A on transcript NM_007078.3 (MANE Select); coding-DNA position 938, C replaced by A.
Protein change: p.Thr313Asn; replaces threonine 313 with asparagine.
Molecular consequence: missense variant. On other transcripts: intron variant (4).
Genome position (GRCh38, 1-based): chr10:86,706,572, C>A. VCF-style: chr10-86706572-C-A. GRCh37 (hg19) VCF-style: chr10-88466329-C-A.
Other names: c.797C>A, p.Thr266Asn (NM_001368066.1); c.897-3333C>A (NM_001368064.1, NM_001368065.1); c.1101-3333C>A (NM_001171610.2); c.756-3333C>A (NM_001080114.2); short protein forms T266N, T313N.
Identifiers: ClinVar variation 3225990 (VCV003225990.1), dbSNP rs367882377, ClinGen allele CA377446611.